The following is an entry in ClinVar:

NM_000321.3(RB1):c.1696-1G>A

Gene: RB1 (RB transcriptional corepressor 1; plus strand). Cytogenetic location: 13q14.2.
Variant type: single nucleotide variant.
Coding change: c.1696-1G>A on transcript NM_000321.3 (MANE Select); the canonical splice acceptor site of the intron before coding-DNA position 1696, G replaced by A.
Molecular consequence: splice acceptor variant.
Genome position (GRCh38, 1-based): chr13:48,452,992, G>A. VCF-style: chr13-48452992-G-A. GRCh37 (hg19) VCF-style: chr13-49027128-G-A.
Other names: c.1696-1G>A (NM_001407165.1).
Identifiers: ClinVar variation 194811 (VCV000194811.18), dbSNP rs794727199, ClinGen allele CA026395.

ClinVar aggregate classification (germline): Pathogenic. Review status: criteria provided, multiple submitters, no conflicts (2 of 4 stars). 4 submissions from 4 submitters: Pathogenic (4). Last evaluated 2024-05-20.

Conditions:
Retinoblastoma (RB1). Also called: RETINOBLASTOMA, SOMATIC. Identifiers: Orphanet 790, MedGen C0035335, MeSH D012175, MONDO:0008380, OMIM 180200, HP:0009919. Disease mechanism: loss of function. Inheritance: Both sporadic and heritable forms are tested..

Allele frequency attached by ClinVar (database versions not stated): gnomAD exomes below 0.00001.
gnomAD v4.1: 1 of 1,612,138 alleles (0.000062%); highest among the groups gnomAD compares: Non-Finnish European, 0.000085%; no homozygotes.

Submissions (4):

Genetic Diagnostic Laboratory, University of Pennsylvania School of Medicine
Classification: Pathogenic for Retinoblastoma. Last evaluated: 2024-05-20. Review status: criteria provided, single submitter. Criteria: ACMG Guidelines, 2015. Collection method: clinical testing. Allele origin: germline. Affected: yes. Observed: 1 variant allele.
Comment: Case and Pedigree Information: BILATERAL CASES:1, UNILATERAL CASES:0, TOTAL CASES:1, PEDIGREES:1. ACMG Codes Applied:PVS1, PM2

Greenwood Genetic Center Diagnostic Laboratories, Greenwood Genetic Center
Classification: Pathogenic for Retinoblastoma. Last evaluated: 2022-10-26. Review status: criteria provided, single submitter. Criteria: ACMG Guidelines, 2015. Collection method: clinical testing. Allele origin: germline. Affected: yes.
Comment: PVS1, PS3_Moderate, PM2

Labcorp Genetics (formerly Invitae), Labcorp
Classification: Pathogenic for Retinoblastoma. Last evaluated: 2022-08-19. Review status: criteria provided, single submitter. Criteria: Invitae Variant Classification Sherloc (09022015). Collection method: clinical testing. Allele origin: germline.
Comment: This sequence change affects an acceptor splice site in intron 17 of the RB1 gene. It is expected to disrupt RNA splicing. Variants that disrupt the donor or acceptor splice site typically lead to a loss of protein function (PMID: 16199547), and loss-of-function variants in RB1 are known to be pathogenic (PMID: 17096365). This variant is not present in population databases (gnomAD no frequency). Disruption of this splice site has been observed in individual(s) with bilateral retinoblastoma (PMID: 7704558). ClinVar contains an entry for this variant (Variation ID: 194811). Algorithms developed to predict the effect of sequence changes on RNA splicing suggest that this variant may disrupt the consensus splice site. For these reasons, this variant has been classified as Pathogenic.

Eurofins Ntd Llc (ga)
Classification: Pathogenic. Last evaluated: 2017-04-28. Review status: criteria provided, single submitter. Criteria: EGL Classification Definitions 2015. Collection method: clinical testing. Allele origin: germline. Observed: 1 variant allele, 1 heterozygote.

Literature cited by the submitters: PubMed 16199547 (cited by Labcorp Genetics (formerly Invitae), Labcorp); PubMed 17096365 (cited by Labcorp Genetics (formerly Invitae), Labcorp); PubMed 7704558 (cited by Labcorp Genetics (formerly Invitae), Labcorp and Eurofins Ntd Llc (ga)).